The following is an entry in ClinVar:

ClinVar aggregate classification (germline): Uncertain significance. Review status: criteria provided, multiple submitters, no conflicts (2 of 4 stars). 2 submissions from 2 submitters: Uncertain significance (2). Last evaluated 2024-10-18.

Conditions:
Developmental and epileptic encephalopathy, 36 (DEE36). Also called: Epileptic encephalopathy, early infantile, 36; Congenital disorder of glycosylation, type Is; ALG13-CDG. Identifiers: Orphanet 324422, MedGen C4317295, MONDO:0010472, OMIM 300884.

Submissions (2):

GeneDx
Classification: Uncertain significance. Last evaluated: 2024-10-18. Review status: criteria provided, single submitter. Criteria: GeneDx Variant Classification Process June 2021. Collection method: clinical testing. Allele origin: germline.
Comment: Not observed at significant frequency in large population cohorts (gnomAD); In silico analysis supports that this missense variant has a deleterious effect on protein structure/function; Has not been previously published as pathogenic or benign to our knowledge

Labcorp Genetics (formerly Invitae), Labcorp
Classification: Uncertain significance for Developmental and epileptic encephalopathy, 36. Last evaluated: 2023-09-10. Review status: criteria provided, single submitter. Criteria: Invitae Variant Classification Sherloc (09022015). Collection method: clinical testing. Allele origin: germline.
Comment: In summary, the available evidence is currently insufficient to determine the role of this variant in disease. Therefore, it has been classified as a Variant of Uncertain Significance. Algorithms developed to predict the effect of sequence changes on RNA splicing suggest that this variant may create or strengthen a splice site. Advanced modeling of protein sequence and biophysical properties (such as structural, functional, and spatial information, amino acid conservation, physicochemical variation, residue mobility, and thermodynamic stability) performed at Invitae indicates that this missense variant is not expected to disrupt ALG13 protein function. This variant has not been reported in the literature in individuals affected with ALG13-related conditions. This variant is not present in population databases (gnomAD no frequency). This sequence change replaces phenylalanine, which is neutral and non-polar, with leucine, which is neutral and non-polar, at codon 284 of the ALG13 protein (p.Phe284Leu).

NM_001099922.3(ALG13):c.852T>G (p.Phe284Leu)

Gene: ALG13 (ALG13 UDP-N-acetylglucosaminyltransferase subunit; plus strand). Cytogenetic location: Xq23.
Variant type: single nucleotide variant.
Coding change: c.852T>G on transcript NM_001099922.3 (MANE Select); coding-DNA position 852, T replaced by G.
Protein change: p.Phe284Leu; replaces phenylalanine 284 with leucine.
Molecular consequence: missense variant.
Genome position (GRCh38, 1-based): chrX:111,711,692, T>G. VCF-style: chrX-111711692-T-G. GRCh37 (hg19) VCF-style: chrX-110954920-T-G.
Other names: c.540T>G, p.Phe180Leu (NM_001257230.2, NM_001257234.2, NM_001257237.2 and 1 more transcripts); c.618T>G, p.Phe206Leu (NM_001257231.2); c.852T>G, p.Phe284Leu (NM_001324292.2); short protein forms F206L, F284L, F180L.
Identifiers: ClinVar variation 3012363 (VCV003012363.5), dbSNP rs2525630932, ClinGen allele CA414250258.
Genomic context (GRCh38, chrX:111,711,692, plus strand): 5'-ATGCTGTGTATTTGGTTAAGTTGAGTTTGTTTTATTTTTGAAGTATGTGGAGGGATCTTT[T>G]GAGAAATACCTGGAACGGTTGGGAGATCCCAAGGTAAGATCAAATATGGGGGTTTAATCT-3'
Protein context (NP_001093392.1, residues 274-294): QTFESYVEGS[Phe284Leu]EKYLERLGDP